The following is an entry in ClinVar:

NM_001370.2(DNAH6):c.5081G>C (p.Gly1694Ala)

Gene: DNAH6 (dynein axonemal heavy chain 6; plus strand). Cytogenetic location: 2p11.2.
Variant type: single nucleotide variant.
Coding change: c.5081G>C on transcript NM_001370.2 (MANE Select); coding-DNA position 5081, G replaced by C.
Protein change: p.Gly1694Ala; replaces glycine 1694 with alanine.
Molecular consequence: missense variant.
Genome position (GRCh38, 1-based): chr2:84,653,321, G>C. VCF-style: chr2-84653321-G-C. GRCh37 (hg19) VCF-style: chr2-84880445-G-C.
Other names: short protein forms G1694A.
Identifiers: ClinVar variation 402738 (VCV000402738.10), dbSNP rs28375417, ClinGen allele CA1737213.
Genomic context (GRCh38, chr2:84,653,321, plus strand): 5'-ATACGGGAAAATATCAATGACCAGTTGTTCCTAATTGATTTTATTTTTGTTTTGACAGTG[G>C]AATCATATCTGACCTTTTTCCTGGAGTCCAAATTCCAGAACATGATTATGGTATTTTACA-3'
Protein context (NP_001361.1, residues 1684-1704): FLTDDALLFS[Gly1694Ala]IISDLFPGVQ

ClinVar aggregate classification (germline): Benign. Review status: criteria provided, multiple submitters, no conflicts (2 of 4 stars). 4 submissions from 4 submitters: Benign (3). 1 of the submissions does not count toward it. Last evaluated 2021-05-04.

Conditions:
DNAH6-related disorder. Also called: DNAH6-related condition.

Allele frequency attached by ClinVar (database versions not stated): 1000 Genomes Project 0.09924; 1000 Genomes Project 30x 0.10134; gnomAD 0.10898 and 0.10994; TOPMed 0.10911; ESP Exome Variant Server 0.11569; gnomAD exomes 0.11758; ExAC 0.16296.
gnomAD v4.1: 192,047 of 1,505,824 alleles (13%); highest among the groups gnomAD compares: Middle Eastern, 20%; 12,907 homozygotes.

Submissions (4):

GeneDx
Classification: Benign. Last evaluated: 2021-05-04. Review status: criteria provided, single submitter. Criteria: GeneDx Variant Classification Process June 2021. Collection method: clinical testing. Allele origin: germline. Affected: yes.

Laboratory for Molecular Medicine, Mass General Brigham Personalized Medicine
Classification: Benign. Last evaluated: 2016-03-28. Review status: criteria provided, single submitter. Criteria: LMM Criteria. Collection method: clinical testing. Allele origin: germline.
Comment: Variant identified in a genome or exome case(s) and assessed due to predicted null impact of the variant or pathogenic assertions in the literature or databases. Disclaimer: This variant has not undergone full assessment. The following are preliminary notes: Frequency

Breakthrough Genomics
Classification: Benign. Review status: criteria provided, single submitter. Criteria: ACMG Guidelines, 2015. Collection method: not provided. Allele origin: germline. Inheritance: Unknown mechanism. Affected: yes.

PreventionGenetics, part of Exact Sciences
Classification: Benign for DNAH6-related condition. Last evaluated: 2019-10-28. Review status: no assertion criteria provided. Collection method: clinical testing. Allele origin: germline. Not counted in ClinVar's aggregate classification.
Comment: This variant is classified as benign based on ACMG/AMP sequence variant interpretation guidelines (Richards et al. 2015 PMID: 25741868, with internal and published modifications).